The following is an entry in ClinVar:

NM_004725.4(BUB3):c.173C>T (p.Ala58Val)

Gene: BUB3 (BUB3 mitotic checkpoint protein; plus strand). Cytogenetic location: 10q26.13.
Variant type: single nucleotide variant.
Coding change: c.173C>T on transcript NM_004725.4 (MANE Select); coding-DNA position 173, C replaced by T.
Protein change: p.Ala58Val; replaces alanine 58 with valine.
Molecular consequence: missense variant.
Genome position (GRCh38, 1-based): chr10:123,155,090, C>T. VCF-style: chr10-123155090-C-T. GRCh37 (hg19) VCF-style: chr10-124914606-C-T.
Other names: c.173C>T, p.Ala58Val (NM_001007793.3); short protein forms A58V.
Identifiers: ClinVar variation 1779164 (VCV001779164.2), dbSNP rs1371963633, ClinGen allele CA378625093.

ClinVar aggregate classification (germline): Uncertain significance (1 of 4 stars; one submission).

Allele frequency attached by ClinVar (database versions not stated): gnomAD 0.00001; gnomAD exomes 0.00001; TOPMed 0.00002.
gnomAD v4.1: 5 of 1,613,910 alleles (0.00031%); highest among the groups gnomAD compares: African/African-American, 0.0053%; no homozygotes.

Submission:

Ambry Genetics
Classification: Uncertain significance. Last evaluated: 2023-12-23. Review status: criteria provided, single submitter. Criteria: Ambry Variant Classification Scheme 2023. Collection method: clinical testing. Allele origin: germline.
Comment: The p.A58V variant (also known as c.173C>T), located in coding exon 1 of the BUB3 gene, results from a C to T substitution at nucleotide position 173. The alanine at codon 58 is replaced by valine, an amino acid with similar properties. This amino acid position is conserved. In addition, this alteration is predicted to be tolerated by in silico analysis. Since supporting evidence is limited at this time, the clinical significance of this alteration remains unclear.